The following is an entry in ClinVar:

NM_020987.5(ANK3):c.11476G>C (p.Val3826Leu)

Gene: ANK3 (ankyrin 3; minus strand). Cytogenetic location: 10q21.2.
Variant type: single nucleotide variant.
Coding change: c.11476G>C on transcript NM_020987.5 (MANE Select); coding-DNA position 11476, G replaced by C.
Protein change: p.Val3826Leu; replaces valine 3826 with leucine.
Molecular consequence: missense variant. On other transcripts: intron variant (4).
Genome position (GRCh38, 1-based): chr10:60,069,405, C>G on the plus strand (G>C on the coding strand, the complement: ANK3 is on the minus strand). VCF-style: chr10-60069405-C-G. GRCh37 (hg19) VCF-style: chr10-61829163-C-G.
Other names: c.4388-1396G>C (NM_001204403.2); c.4409-1396G>C (NM_001204404.2); c.4406-1396G>C (NM_001320874.2); c.1808-1396G>C (NM_001149.4); short protein forms V3826L.
Identifiers: ClinVar variation 2640487 (VCV002640487.24), dbSNP rs746447437, ClinGen allele CA376996870.

ClinVar aggregate classification (germline): Likely benign (1 of 4 stars; one submission).

Allele frequency attached by ClinVar (database versions not stated): gnomAD 0.00001.
gnomAD v4.1: 7 of 1,613,696 alleles (0.00043%); highest among the groups gnomAD compares: Admixed American, 0.0033%; no homozygotes.

Submission:

CeGaT Center for Human Genetics Tuebingen
Classification: Likely benign. Last evaluated: 2022-06-01. Review status: criteria provided, single submitter. Criteria: CeGaT Center For Human Genetics Tuebingen Variant Classification Criteria Version 2. Collection method: clinical testing. Allele origin: germline. Affected: yes. Observed: 1 variant allele.
Comment: ANK3: BP4